The following is an entry in ClinVar:

ClinVar aggregate classification (germline): Uncertain significance (1 of 4 stars; one submission).

Conditions:
POLD1-related polyposis and colorectal cancer syndrome (CRCS10). Also called: Colorectal cancer 10; COLORECTAL CANCER, SUSCEPTIBILITY TO, ON CHROMOSOME 19q; Colorectal cancer, susceptibility to, 10. Identifiers: Orphanet 220460, MedGen C2675481, MONDO:0012953, OMIM 612591.

Allele frequency attached by ClinVar (database versions not stated): TOPMed below 0.00001.

Submission:

Labcorp Genetics (formerly Invitae), Labcorp
Classification: Uncertain significance for POLD1-related polyposis and colorectal cancer syndrome. Last evaluated: 2025-02-19. Review status: criteria provided, single submitter. Criteria: Invitae Variant Classification Sherloc (09022015). Collection method: clinical testing. Allele origin: germline.
Comment: This sequence change replaces isoleucine, which is neutral and non-polar, with threonine, which is neutral and polar, at codon 868 of the POLD1 protein (p.Ile868Thr). This variant is not present in population databases (gnomAD no frequency). This variant has not been reported in the literature in individuals affected with POLD1-related conditions. ClinVar contains an entry for this variant (Variation ID: 945570). Invitae Evidence Modeling of protein sequence and biophysical properties (such as structural, functional, and spatial information, amino acid conservation, physicochemical variation, residue mobility, and thermodynamic stability) indicates that this missense variant is expected to disrupt POLD1 protein function with a positive predictive value of 80%. In summary, the available evidence is currently insufficient to determine the role of this variant in disease. Therefore, it has been classified as a Variant of Uncertain Significance.

NM_002691.4(POLD1):c.2603T>C (p.Ile868Thr)

Gene: POLD1 (DNA polymerase delta 1, catalytic subunit; plus strand). Cytogenetic location: 19q13.33.
Variant type: single nucleotide variant.
Coding change: c.2603T>C on transcript NM_002691.4 (MANE Select); coding-DNA position 2603, T replaced by C.
Protein change: p.Ile868Thr; replaces isoleucine 868 with threonine.
Molecular consequence: missense variant. On other transcripts: non-coding transcript variant (1).
Genome position (GRCh38, 1-based): chr19:50,415,476, T>C. VCF-style: chr19-50415476-T-C. GRCh37 (hg19) VCF-style: chr19-50918733-T-C.
Other names: c.2603T>C, p.Ile868Thr (NM_001256849.1); c.2681T>C, p.Ile894Thr (NM_001308632.1); short protein forms I868T, I894T.
Identifiers: ClinVar variation 945570 (VCV000945570.9), dbSNP rs2039245319, ClinGen allele CA406985394.